The following is an entry in ClinVar:

NM_152787.5(TAB3):c.747G>A (p.Pro249=)

Gene: TAB3 (TGF-beta activated kinase 1 (MAP3K7) binding protein 3; minus strand). Cytogenetic location: Xp21.2.
Variant type: single nucleotide variant.
Coding change: c.747G>A on transcript NM_152787.5 (MANE Select); coding-DNA position 747, G replaced by A.
Protein change: p.Pro249=; no amino-acid change (proline 249 retained).
Molecular consequence: synonymous variant. On other transcripts: non-coding transcript variant (2).
Genome position (GRCh38, 1-based): chrX:30,854,918, C>T on the plus strand (G>A on the coding strand, the complement: TAB3 is on the minus strand). VCF-style: chrX-30854918-C-T. GRCh37 (hg19) VCF-style: chrX-30873035-C-T.
Other names: c.747G>A, p.Pro249= (NM_001399870.1, NM_001399872.1, NM_001399873.1).
Identifiers: ClinVar variation 2660237 (VCV002660237.24), dbSNP rs201728663, ClinGen allele CA10377175.

ClinVar aggregate classification (germline): Likely benign (1 of 4 stars; one submission).

gnomAD v4.1: 210 of 1,206,872 alleles (0.017%); highest among the groups gnomAD compares: South Asian, 0.35%; 2 homozygotes.

Submission:

CeGaT Center for Human Genetics Tuebingen
Classification: Likely benign. Last evaluated: 2022-07-01. Review status: criteria provided, single submitter. Criteria: CeGaT Center For Human Genetics Tuebingen Variant Classification Criteria Version 2. Collection method: clinical testing. Allele origin: germline. Affected: yes. Observed: 1 variant allele.
Comment: TAB3: BP4, BP7